The following is an entry in ClinVar:

NM_001085411.3(NADK2):c.-8G>A

Genes: NADK2 (NAD kinase 2, mitochondrial; minus strand), LOC129993801 (ATAC-STARR-seq lymphoblastoid silent region 15972; plus strand). Cytogenetic location: 5p13.2.
Variant type: single nucleotide variant.
Coding change: c.-8G>A on transcript NM_001085411.3 (MANE Select); 8 bases upstream of the start codon, G replaced by A.
Molecular consequence: 5 prime UTR variant. On other transcripts: intron variant (2).
Genome position (GRCh38, 1-based): chr5:36,241,806, C>T on the plus strand (G>A on the coding strand, the complement: NADK2 is on the minus strand). VCF-style: chr5-36241806-C-T. GRCh37 (hg19) VCF-style: chr5-36241908-C-T.
Other names: c.-190+290G>A (NM_153013.5, NM_001287341.2).
Identifiers: ClinVar variation 385019 (VCV000385019.2), dbSNP rs143130784, ClinGen allele CA3234810.

ClinVar aggregate classification (germline): Likely benign. Review status: criteria provided, multiple submitters, no conflicts (2 of 4 stars). 2 submissions from 2 submitters: Likely benign (2). Last evaluated 2024-11-01.

Allele frequency attached by ClinVar (database versions not stated): ExAC 0.00037; gnomAD exomes 0.00048 and 0.00067; gnomAD 0.00577 and 0.00615; TOPMed 0.00608; 1000 Genomes Project 0.00779; 1000 Genomes Project 30x 0.00812.
gnomAD v4.1: 1,475 of 1,314,454 alleles (0.11%); highest among the groups gnomAD compares: African/African-American, 1.9%; 15 homozygotes.

Submissions (2):

Blueprint Genetics
Classification: Likely benign. Last evaluated: 2024-11-01. Review status: criteria provided, single submitter. Criteria: ACMG Guidelines, 2015. Collection method: clinical testing. Allele origin: germline.

GeneDx
Classification: Likely benign. Last evaluated: 2017-03-02. Review status: criteria provided, single submitter. Criteria: GeneDx Variant Classification (06012015). Collection method: clinical testing. Allele origin: germline. Affected: yes.
Comment: This variant is considered likely benign or benign based on one or more of the following criteria: it is a conservative change, it occurs at a poorly conserved position in the protein, it is predicted to be benign by multiple in silico algorithms, and/or has population frequency not consistent with disease.